The following is an entry in ClinVar:

NM_014363.6(SACS):c.7742C>T (p.Ala2581Val)

Gene: SACS (sacsin molecular chaperone; minus strand). Cytogenetic location: 13q12.12.
Variant type: single nucleotide variant.
Coding change: c.7742C>T on transcript NM_014363.6 (MANE Select); coding-DNA position 7742, C replaced by T.
Protein change: p.Ala2581Val; replaces alanine 2581 with valine.
Molecular consequence: missense variant.
Genome position (GRCh38, 1-based): chr13:23,336,134, G>A on the plus strand (C>T on the coding strand, the complement: SACS is on the minus strand). VCF-style: chr13-23336134-G-A. GRCh37 (hg19) VCF-style: chr13-23910273-G-A.
Other names: c.7301C>T, p.Ala2434Val (NM_001278055.2); short protein forms A2581V, A2434V.
Identifiers: ClinVar variation 806985 (VCV000806985.49), dbSNP rs866333277, ClinGen allele CA246656617.
Genomic context (GRCh38, chr13:23,336,134, plus strand): 5'-ACATCATCTTCTGTAAATGGCTGGTTGTTGTACACACAAAGTGCTGGCCCTTGCAATGGG[G>A]CCCACTTATCATCAAATATTCTATCAACTGGATGCTGTCTAGGATCAAACACAAAACAGA-3'
Protein context (NP_055178.3, residues 2571-2591): PVDRIFDDKW[Ala2581Val]PLQGPALCVY

ClinVar aggregate classification (germline): Uncertain significance. Review status: criteria provided, multiple submitters, no conflicts (2 of 4 stars). 4 submissions from 4 submitters: Uncertain significance (4). Last evaluated 2022-05-21.

Conditions:
Spastic paraplegia. Identifiers: MedGen C0037772, HP:0001258.
Charlevoix-Saguenay spastic ataxia (SACS). Also called: AUTOSOMAL RECESSIVE SPASTIC ATAXIA OF CHARLEVOIX-SAGUENAY; SPASTIC ATAXIA 6, AUTOSOMAL RECESSIVE; Spastic ataxia of Charlevoix-Saguenay. Identifiers: Orphanet 98, MedGen C1849140, MONDO:0010041, OMIM 270550.

Allele frequency attached by ClinVar (database versions not stated): gnomAD exomes below 0.00001; gnomAD 0.00001; TOPMed 0.00002.
gnomAD v4.1: 2 of 1,613,072 alleles (0.00012%); highest among the groups gnomAD compares: African/African-American, 0.0027%; no homozygotes.

Submissions (4):

Labcorp Genetics (formerly Invitae), Labcorp
Classification: Uncertain significance for Spastic paraplegia. Last evaluated: 2022-05-21. Review status: criteria provided, single submitter. Criteria: Invitae Variant Classification Sherloc (09022015). Collection method: clinical testing. Allele origin: germline.
Comment: This sequence change replaces alanine, which is neutral and non-polar, with valine, which is neutral and non-polar, at codon 2581 of the SACS protein (p.Ala2581Val). This variant is not present in population databases (gnomAD no frequency). This variant has not been reported in the literature in individuals affected with SACS-related conditions. ClinVar contains an entry for this variant (Variation ID: 806985). Advanced modeling of protein sequence and biophysical properties (such as structural, functional, and spatial information, amino acid conservation, physicochemical variation, residue mobility, and thermodynamic stability) performed at Invitae indicates that this missense variant is not expected to disrupt SACS protein function. In summary, the available evidence is currently insufficient to determine the role of this variant in disease. Therefore, it has been classified as a Variant of Uncertain Significance.

Genome-Nilou Lab
Classification: Uncertain significance for Charlevoix-Saguenay spastic ataxia. Last evaluated: 2021-09-05. Review status: criteria provided, single submitter. Criteria: ACMG Guidelines, 2015. Collection method: clinical testing. Allele origin: germline. Affected: no.

Illumina Laboratory Services, Illumina
Classification: Uncertain significance for Charlevoix-Saguenay spastic ataxia. Last evaluated: 2018-01-13. Review status: criteria provided, single submitter. Criteria: ICSL Variant Classification Criteria 13 December 2019. Collection method: clinical testing. Allele origin: germline.

CeGaT Center for Human Genetics Tuebingen
Classification: Uncertain significance. Last evaluated: 2017-08-01. Review status: criteria provided, single submitter. Criteria: CeGaT Center For Human Genetics Tuebingen Variant Classification Criteria Version 2. Collection method: clinical testing. Allele origin: germline. Affected: yes. Observed: 1 variant allele.